The following is an entry in ClinVar:

NM_004562.3(PRKN):c.308C>G (p.Thr103Ser)

Gene: PRKN (parkin RBR E3 ubiquitin protein ligase; minus strand). Cytogenetic location: 6q26.
Variant type: single nucleotide variant.
Coding change: c.308C>G on transcript NM_004562.3 (MANE Select); coding-DNA position 308, C replaced by G.
Protein change: p.Thr103Ser; replaces threonine 103 with serine.
Molecular consequence: missense variant. On other transcripts: intron variant (1).
Genome position (GRCh38, 1-based): chr6:162,262,629, G>C on the plus strand (C>G on the coding strand, the complement: PRKN is on the minus strand). VCF-style: chr6-162262629-G-C. GRCh37 (hg19) VCF-style: chr6-162683661-G-C.
Other names: c.308C>G, p.Thr103Ser (NM_013987.3); c.171+180681C>G (NM_013988.3); short protein forms T103S.
Identifiers: ClinVar variation 1432650 (VCV001432650.6), dbSNP rs2128100081, ClinGen allele CA366475933.

ClinVar aggregate classification (germline): Uncertain significance (1 of 4 stars; one submission).

Submission:

Labcorp Genetics (formerly Invitae), Labcorp
Classification: Uncertain significance. Last evaluated: 2021-11-10. Review status: criteria provided, single submitter. Criteria: Invitae Variant Classification Sherloc (09022015). Collection method: clinical testing. Allele origin: germline.
Comment: In summary, the available evidence is currently insufficient to determine the role of this variant in disease. Therefore, it has been classified as a Variant of Uncertain Significance. Algorithms developed to predict the effect of missense changes on protein structure and function are either unavailable or do not agree on the potential impact of this missense change (SIFT: "Deleterious"; PolyPhen-2: "Probably Damaging"; Align-GVGD: "Class C0"). This variant has not been reported in the literature in individuals affected with PRKN-related conditions. This variant is not present in population databases (gnomAD no frequency). This sequence change replaces threonine, which is neutral and polar, with serine, which is neutral and polar, at codon 103 of the PRKN protein (p.Thr103Ser).